The following is an entry in ClinVar:

NM_006979.3(SLC39A7):c.849_850del (p.Val286fs)

Gene: SLC39A7 (solute carrier family 39 member 7; plus strand). Cytogenetic location: 6p21.32.
Variant type: Deletion.
Coding change: c.849_850del on transcript NM_006979.3 (MANE Select); coding-DNA positions 849 to 850, 2 bases deleted (AA; older notation c.849_850delAA).
Protein change: p.Val286fs; shifts the reading frame from valine 286.
Molecular consequence: frameshift variant.
Genome position (GRCh38, 1-based): chr6:33,202,609-33,202,610, AA deleted. VCF-style (leftmost placement, unchanged base first): chr6-33202608-CAA-C. GRCh37 (hg19) VCF-style: chr6-33170385-CAA-C.
Other names: c.849_850del, p.Val286fs (NM_001077516.2); c.474_475del, p.Val161fs (NM_001288777.2); short protein forms V286fs, V161fs.
Identifiers: ClinVar variation 1467466 (VCV001467466.5), dbSNP rs780681928, ClinGen allele CA3752375.
Genomic context (GRCh38, chr6:33,202,608, plus strand): 5'-TTCTTCCCTCAGAGCGTTCTACCAAGGAGAAGCAGAGCTCAGAGGAAGAAGAAAAGGAAA[CAA>C]GAGGGGTTCAGAAGAGGCGAGGAGGGAGCACAGTACCCAAAGATGGGCCAGTGAGACCTC-3'

ClinVar aggregate classification (germline): Uncertain significance (1 of 4 stars; one submission).

Allele frequency attached by ClinVar (database versions not stated): ExAC 0.00001; gnomAD exomes 0.00001 and 0.00003; gnomAD 0.00003; TOPMed 0.00003.

Submission:

Labcorp Genetics (formerly Invitae), Labcorp
Classification: Uncertain significance. Last evaluated: 2024-06-21. Review status: criteria provided, single submitter. Criteria: Invitae Variant Classification Sherloc (09022015). Collection method: clinical testing. Allele origin: germline.
Comment: This sequence change creates a premature translational stop signal (p.Val286Serfs*21) in the SLC39A7 gene. It is expected to result in an absent or disrupted protein product. However, the current clinical and genetic evidence is not sufficient to establish whether loss-of-function variants in SLC39A7 cause disease. This variant is present in population databases (rs780681928, gnomAD 0.004%). This variant has not been reported in the literature in individuals affected with SLC39A7-related conditions. ClinVar contains an entry for this variant (Variation ID: 1467466). In summary, the available evidence is currently insufficient to determine the role of this variant in disease. Therefore, it has been classified as a Variant of Uncertain Significance.